The following is an entry in ClinVar:

ClinVar aggregate classification (germline): Pathogenic/Likely pathogenic. Review status: criteria provided, multiple submitters, no conflicts (2 of 4 stars). 3 submissions from 3 submitters: Pathogenic (2); Likely pathogenic (1). Last evaluated 2024-05-29.

Conditions:
Nephronophthisis. Also called: Juvenile Nephronophthisis. Identifiers: Orphanet 655, MedGen C0687120, MONDO:0019005, HP:0000090.
Senior-Loken syndrome 5 (SLSN5). Identifiers: Orphanet 3156, MedGen C1836517, MONDO:0012225, OMIM 609254.

Allele frequency attached by ClinVar (database versions not stated): gnomAD exomes below 0.00001; TOPMed 0.00001.
gnomAD v4.1: 2 of 1,610,670 alleles (0.00012%); highest among the groups gnomAD compares: Middle Eastern, 0.018%; no homozygotes.

Submissions (3):

Fulgent Genetics
Classification: Likely pathogenic for Senior-Loken syndrome 5. Last evaluated: 2024-05-29. Review status: criteria provided, single submitter. Criteria: ACMG Guidelines, 2015. Collection method: clinical testing. Allele origin: germline.

Labcorp Genetics (formerly Invitae), Labcorp
Classification: Pathogenic for Nephronophthisis. Last evaluated: 2024-02-28. Review status: criteria provided, single submitter. Criteria: Invitae Variant Classification Sherloc (09022015). Collection method: clinical testing. Allele origin: germline.
Comment: This sequence change creates a premature translational stop signal (p.Glu273*) in the IQCB1 gene. It is expected to result in an absent or disrupted protein product. Loss-of-function variants in IQCB1 are known to be pathogenic (PMID: 15723066, 21901789, 23559409, 28041643). This variant is not present in population databases (gnomAD no frequency). This variant has not been reported in the literature in individuals affected with IQCB1-related conditions. ClinVar contains an entry for this variant (Variation ID: 199049). Algorithms developed to predict the effect of sequence changes on RNA splicing suggest that this variant may disrupt the consensus splice site. For these reasons, this variant has been classified as Pathogenic.

Eurofins Ntd Llc (ga)
Classification: Pathogenic. Last evaluated: 2014-08-04. Review status: criteria provided, single submitter. Criteria: EGL Classification Definitions 2015. Collection method: clinical testing. Allele origin: germline. Observed: 1 variant allele, 1 heterozygote.

Literature cited by the submitters: PubMed 15723066 (cited by Labcorp Genetics (formerly Invitae), Labcorp); PubMed 21901789 (cited by Labcorp Genetics (formerly Invitae), Labcorp); PubMed 23559409 (cited by Labcorp Genetics (formerly Invitae), Labcorp); PubMed 28041643 (cited by Labcorp Genetics (formerly Invitae), Labcorp).

NM_001023570.4(IQCB1):c.817G>T (p.Glu273Ter)

Gene: IQCB1 (IQ motif containing B1; minus strand). Cytogenetic location: 3q13.33.
Variant type: single nucleotide variant.
Coding change: c.817G>T on transcript NM_001023570.4 (MANE Select); coding-DNA position 817, G replaced by T.
Protein change: p.Glu273Ter; replaces glutamic acid 273 with a stop codon.
Molecular consequence: nonsense. On other transcripts: non-coding transcript variant (1), intron variant (1).
Genome position (GRCh38, 1-based): chr3:121,797,177, C>A on the plus strand (G>T on the coding strand, the complement: IQCB1 is on the minus strand). VCF-style: chr3-121797177-C-A. GRCh37 (hg19) VCF-style: chr3-121516024-C-A.
Other names: c.817G>T, p.Glu273Ter (NM_001319107.2); c.588-6962G>T (NM_001023571.4); short protein forms E273*.
Identifiers: ClinVar variation 199049 (VCV000199049.8), dbSNP rs794727964, ClinGen allele CA203724.